The following is an entry in ClinVar:

NM_006642.5(SDCCAG8):c.1525C>G (p.Gln509Glu)

Gene: SDCCAG8 (SHH signaling and ciliogenesis regulator SDCCAG8; plus strand). Cytogenetic location: 1q43.
Variant type: single nucleotide variant.
Coding change: c.1525C>G on transcript NM_006642.5 (MANE Select); coding-DNA position 1525, C replaced by G.
Protein change: p.Gln509Glu; replaces glutamine 509 with glutamic acid.
Molecular consequence: missense variant.
Genome position (GRCh38, 1-based): chr1:243,378,772, C>G. VCF-style: chr1-243378772-C-G. GRCh37 (hg19) VCF-style: chr1-243542074-C-G.
Other names: c.622C>G, p.Gln208Glu (NM_001350246.2, NM_001350247.2, NM_001350251.2); c.1621C>G, p.Gln541Glu (NM_001350248.2); c.1231C>G, p.Gln411Glu (NM_001350249.2); short protein forms Q509E, Q411E, Q541E, Q208E.
Identifiers: ClinVar variation 296914 (VCV000296914.14), dbSNP rs199919586, ClinGen allele CA1483671.

ClinVar aggregate classification (germline): Conflicting classifications of pathogenicity. Review status: criteria provided, conflicting classifications (1 of 4 stars). 7 submissions from 6 submitters: Uncertain significance (5); Benign (1). 1 of the submissions does not count toward it. Last evaluated 2024-12-16.

Conditions:
Bardet-Biedl syndrome 16 (BBS16). Identifiers: Orphanet 110, MedGen C3889474, MONDO:0014444, OMIM 615993.
SDCCAG8-related disorder. Also called: SDCCAG8-Related Disorders; SDCCAG8-related condition.
Senior-Loken syndrome 7 (SLSN7). Identifiers: Orphanet 3156, MedGen C3150877, MONDO:0013326, OMIM 613615.

Allele frequency attached by ClinVar (database versions not stated): TOPMed 0.00006; ESP Exome Variant Server 0.00008; gnomAD exomes 0.00019 and 0.00023; 1000 Genomes Project 0.00020; ExAC 0.00028; 1000 Genomes Project 30x 0.00031.
gnomAD v4.1: 282 of 1,614,012 alleles (0.017%); highest among the groups gnomAD compares: South Asian, 0.18%; no homozygotes.

Submissions (7):

Labcorp Genetics (formerly Invitae), Labcorp
Classification: Uncertain significance for Bardet-Biedl syndrome 16; Senior-Loken syndrome 7. Last evaluated: 2024-12-16. Review status: criteria provided, single submitter. Criteria: Invitae Variant Classification Sherloc (09022015). Collection method: clinical testing. Allele origin: germline.
Comment: This sequence change replaces glutamine, which is neutral and polar, with glutamic acid, which is acidic and polar, at codon 509 of the SDCCAG8 protein (p.Gln509Glu). This variant is present in population databases (rs199919586, gnomAD 0.1%). This variant has not been reported in the literature in individuals affected with SDCCAG8-related conditions. ClinVar contains an entry for this variant (Variation ID: 296914). Invitae Evidence Modeling of protein sequence and biophysical properties (such as structural, functional, and spatial information, amino acid conservation, physicochemical variation, residue mobility, and thermodynamic stability) indicates that this missense variant is not expected to disrupt SDCCAG8 protein function with a negative predictive value of 80%. In summary, the available evidence is currently insufficient to determine the role of this variant in disease. Therefore, it has been classified as a Variant of Uncertain Significance.

Blueprint Genetics
Classification: Benign. Last evaluated: 2024-09-12. Review status: criteria provided, single submitter. Criteria: ACMG Guidelines, 2015. Collection method: clinical testing. Allele origin: germline.

Baylor Genetics
Classification: Uncertain significance for Bardet-Biedl syndrome 16. Last evaluated: 2020-02-18. Review status: criteria provided, single submitter. Criteria: ACMG Guidelines, 2015. Collection method: clinical testing. Allele origin: unknown. Affected: yes.
Comment: This variant was determined to be of uncertain significance according to ACMG Guidelines, 2015 [PMID:25741868].

GeneDx
Classification: Uncertain significance. Last evaluated: 2019-05-06. Review status: criteria provided, single submitter. Criteria: GeneDx Variant Classification Process June 2021. Collection method: clinical testing. Allele origin: germline. Affected: yes.
Comment: In silico analysis, which includes protein predictors and evolutionary conservation, supports that this variant does not alter protein structure/function; Has not been previously published as pathogenic or benign to our knowledge

Illumina Laboratory Services, Illumina
Classification: Uncertain significance for Senior-Loken syndrome 7. Last evaluated: 2018-01-13. Review status: criteria provided, single submitter. Criteria: ICSL Variant Classification Criteria 13 December 2019. Collection method: clinical testing. Allele origin: germline.

Illumina Laboratory Services, Illumina
Classification: Uncertain significance for Bardet-Biedl syndrome 16. Last evaluated: 2018-01-13. Review status: criteria provided, single submitter. Criteria: ICSL Variant Classification Criteria 13 December 2019. Collection method: clinical testing. Allele origin: germline.

PreventionGenetics, part of Exact Sciences
Classification: Uncertain significance for SDCCAG8-related condition. Last evaluated: 2024-09-04. Review status: no assertion criteria provided. Collection method: clinical testing. Allele origin: germline. Not counted in ClinVar's aggregate classification.
Comment: The SDCCAG8 c.1525C>G variant is predicted to result in the amino acid substitution p.Gln509Glu. To our knowledge, this variant has not been reported in the literature. This variant is reported in 0.14% of alleles in individuals of South Asian descent in gnomAD. Although we suspect that this variant may be benign, at this time, the clinical significance of this variant is uncertain due to the absence of conclusive functional and genetic evidence.